The following is an entry in ClinVar:

ClinVar aggregate classification (germline): Likely benign (0 of 4 stars; one submission).

Conditions:
KCNQ1-related disorder. Also called: KCNQ1-related condition; KCNQ1-related disorders. Identifiers: MedGen CN239322.

Submission:

PreventionGenetics, part of Exact Sciences
Classification: Likely benign for KCNQ1-related condition. Last evaluated: 2024-03-22. Review status: no assertion criteria provided. Collection method: clinical testing. Allele origin: germline.
Comment: This variant is classified as likely benign based on ACMG/AMP sequence variant interpretation guidelines (Richards et al. 2015 PMID: 25741868, with internal and published modifications).

NM_000218.3(KCNQ1):c.1514+4974G>T

Genes: KCNQ1 (potassium voltage-gated channel subfamily Q member 1; plus strand), KCNQ1OT1 (KCNQ1 opposite strand/antisense transcript 1; minus strand). Cytogenetic location: 11p15.5.
Variant type: single nucleotide variant.
Coding change: c.1514+4974G>T on transcript NM_000218.3 (MANE Select); 4974 bases into the intron after coding-DNA position 1514, G replaced by T.
Molecular consequence: intron variant. On other transcripts: non-coding transcript variant (1).
Genome position (GRCh38, 1-based): chr11:2,667,055, G>T. VCF-style: chr11-2667055-G-T. GRCh37 (hg19) VCF-style: chr11-2688285-G-T.
Other names: c.1244+4974G>T (NM_001406837.1); c.1418+4974G>T (NM_001406836.1); c.974+4974G>T (NM_001406838.1); c.1133+4974G>T (NM_181798.2).
Identifiers: ClinVar variation 3349355 (VCV003349355.1).
Genomic context (GRCh38, chr11:2,667,055, plus strand): 5'-GCTGCATGAGTCATAGGATCCCCGTCAGAGCCCCACATAGCCCCAGCCAGGCTCAAACCC[G>T]TCTCTGAAATGCACGGGGGGATTAAATGTTCTTCTAATTAAATTAAAACCGAGGCGTAAT-3'